The following is an entry in ClinVar:

NM_020184.4(CNNM4):c.429G>C (p.Glu143Asp)

Gene: CNNM4 (cyclin and CBS domain divalent metal cation transport mediator 4; plus strand). Cytogenetic location: 2q11.2.
Variant type: single nucleotide variant.
Coding change: c.429G>C on transcript NM_020184.4 (MANE Select); coding-DNA position 429, G replaced by C.
Protein change: p.Glu143Asp; replaces glutamic acid 143 with aspartic acid.
Molecular consequence: missense variant.
Genome position (GRCh38, 1-based): chr2:96,761,428, G>C. VCF-style: chr2-96761428-G-C. GRCh37 (hg19) VCF-style: chr2-97427165-G-C.
Other names: short protein forms E143D.
Identifiers: ClinVar variation 1018198 (VCV001018198.4), dbSNP rs370486600, ClinGen allele CA1783208.

ClinVar aggregate classification (germline): Uncertain significance (1 of 4 stars; one submission).

Allele frequency attached by ClinVar (database versions not stated): ExAC 0.00002; gnomAD exomes 0.00002 and 0.00009; gnomAD 0.00004; ESP Exome Variant Server 0.00008; TOPMed 0.00008.
gnomAD v4.1: 140 of 1,614,052 alleles (0.0087%); highest among the groups gnomAD compares: Non-Finnish European, 0.011%; no homozygotes.

Submission:

Labcorp Genetics (formerly Invitae), Labcorp
Classification: Uncertain significance. Last evaluated: 2024-01-22. Review status: criteria provided, single submitter. Criteria: Invitae Variant Classification Sherloc (09022015). Collection method: clinical testing. Allele origin: germline.
Comment: This sequence change replaces glutamic acid, which is acidic and polar, with aspartic acid, which is acidic and polar, at codon 143 of the CNNM4 protein (p.Glu143Asp). This variant is present in population databases (rs370486600, gnomAD 0.004%). This variant has not been reported in the literature in individuals affected with CNNM4-related conditions. ClinVar contains an entry for this variant (Variation ID: 1018198). Advanced modeling of protein sequence and biophysical properties (such as structural, functional, and spatial information, amino acid conservation, physicochemical variation, residue mobility, and thermodynamic stability) performed at Invitae indicates that this missense variant is not expected to disrupt CNNM4 protein function with a negative predictive value of 80%. In summary, the available evidence is currently insufficient to determine the role of this variant in disease. Therefore, it has been classified as a Variant of Uncertain Significance.